The following is an entry in ClinVar:

ClinVar aggregate classification (germline): Uncertain significance (1 of 4 stars; one submission).

Conditions:
Fanconi anemia (FA). Also called: Fanconi's anemia. Identifiers: Orphanet 84, MedGen C0015625, MeSH D005199, MONDO:0019391.

Allele frequency attached by ClinVar (database versions not stated): ExAC 0.00001; gnomAD 0.00001; gnomAD exomes 0.00001.

Submission:

Labcorp Genetics (formerly Invitae), Labcorp
Classification: Uncertain significance for Fanconi anemia. Last evaluated: 2022-07-14. Review status: criteria provided, single submitter. Criteria: Invitae Variant Classification Sherloc (09022015). Collection method: clinical testing. Allele origin: germline.
Comment: This variant is present in population databases (rs749045464, gnomAD 0.008%). In summary, the available evidence is currently insufficient to determine the role of this variant in disease. Therefore, it has been classified as a Variant of Uncertain Significance. Algorithms developed to predict the effect of missense changes on protein structure and function (SIFT, PolyPhen-2, Align-GVGD) all suggest that this variant is likely to be tolerated. This variant has not been reported in the literature in individuals affected with SLX4-related conditions. This sequence change replaces proline, which is neutral and non-polar, with alanine, which is neutral and non-polar, at codon 1122 of the SLX4 protein (p.Pro1122Ala).

NM_032444.4(SLX4):c.3364C>G (p.Pro1122Ala)

Gene: SLX4 (SLX4 structure-specific endonuclease subunit; minus strand). Cytogenetic location: 16p13.3.
Variant type: single nucleotide variant.
Coding change: c.3364C>G on transcript NM_032444.4 (MANE Select); coding-DNA position 3364, C replaced by G.
Protein change: p.Pro1122Ala; replaces proline 1122 with alanine.
Molecular consequence: missense variant.
Genome position (GRCh38, 1-based): chr16:3,590,274, G>C on the plus strand (C>G on the coding strand, the complement: SLX4 is on the minus strand). VCF-style: chr16-3590274-G-C. GRCh37 (hg19) VCF-style: chr16-3640275-G-C.
Other names: short protein forms P1122A.
Identifiers: ClinVar variation 1898809 (VCV001898809.5), dbSNP rs749045464, ClinGen allele CA7865934.